The following is an entry in ClinVar:

ClinVar aggregate classification (germline): Pathogenic/Likely pathogenic. Review status: criteria provided, multiple submitters, no conflicts (2 of 4 stars). 2 submissions from 2 submitters: Pathogenic (1); Likely pathogenic (1). Last evaluated 2023-05-12.

Conditions:
Familial multiple polyposis syndrome (FAP). Also called: Familial adenomatous polyposis; Familial Adenomatous Polyposis (FAP); Familial intestinal polyposis; Familial polyposis; Classic familial adenomatous polyposis. Identifiers: Orphanet 733, MedGen C0032580, MONDO:0021055. Disease mechanism: loss of function.
Familial adenomatous polyposis 1 (FAP1). Also called: FAMILIAL ADENOMATOUS POLYPOSIS 1, ATTENUATED; POLYPOSIS, ADENOMATOUS INTESTINAL. Identifiers: MedGen C2713442, MONDO:0021056, OMIM 175100. Disease mechanism: loss of function.

Submissions (2):

Myriad Genetics, Inc.
Classification: Pathogenic for Familial adenomatous polyposis 1. Last evaluated: 2023-05-12. Review status: criteria provided, single submitter. Criteria: Myriad Autosomal Dominant, Autosomal Recessive and X-Linked Classification Criteria (2023). Collection method: clinical testing. Allele origin: unknown.
Comment: This variant is considered pathogenic. This variant creates a frameshift predicted to result in premature protein truncation.

Women's Health and Genetics/Laboratory Corporation of America, LabCorp
Classification: Likely pathogenic for Familial multiple polyposis syndrome. Last evaluated: 2017-01-26. Review status: criteria provided, single submitter. Criteria: LabCorp Variant Classification Summary - May 2015. Collection method: clinical testing. Allele origin: germline.
Comment: Variant summary: The APC c.4873delC (p.Gln1625Asnfs) variant results in a premature termination codon, predicted to cause a truncated or absent APC protein due to nonsense mediated decay, which are commonly known mechanisms for disease. One in silico tool predicts a damaging outcome for this variant. This variant is absent in 121380 control chromosomes. The variant of interest has not, to our knowledge, been reported in affected individuals via publications and/or reputable databases/clinical diagnostic laboratories; nor evaluated for functional impact by in vivo/vitro studies. Taken together, this variant is classified as likely pathogenic.

NM_000038.6(APC):c.4873del (p.Gln1625fs)

Gene: APC (APC regulator of Wnt signaling pathway; plus strand). Cytogenetic location: 5q22.2.
Variant type: Deletion.
Coding change: c.4873del on transcript NM_000038.6 (MANE Select); coding-DNA position 4873, one base deleted (C; older notation c.4873delC).
Protein change: p.Gln1625fs; shifts the reading frame from glutamine 1625.
Molecular consequence: frameshift variant.
Genome position (GRCh38, 1-based): chr5:112,840,467, C deleted. VCF-style (leftmost placement, unchanged base first): chr5-112840466-GC-G. GRCh37 (hg19) VCF-style: chr5-112176163-GC-G.
Other names: c.4927del, p.Gln1643fs (NM_001354896.2); c.4903del, p.Gln1635fs (NM_001354897.2); c.4798del, p.Gln1600fs (NM_001354898.2); c.4789del, p.Gln1597fs (NM_001354899.2); c.4750del, p.Gln1584fs (NM_001354900.2); c.4696del, p.Gln1566fs (NM_001354901.2); c.4600del, p.Gln1534fs (NM_001354902.2); c.4570del, p.Gln1524fs (NM_001354903.2); and 5 more; short protein forms Q1499fs, Q1524fs, Q1566fs, Q1584fs, Q1607fs, Q1342fs, Q1534fs, Q1600fs.
Identifiers: ClinVar variation 495364 (VCV000495364.3), dbSNP rs1554086262, ClinGen allele CA658683423.